The following is an entry in ClinVar:

ClinVar aggregate classification (germline): Likely benign. Review status: criteria provided, multiple submitters, no conflicts (2 of 4 stars). 3 submissions from 3 submitters: Likely benign (3). Last evaluated 2026-05-19.

Conditions:
Early-infantile DEE. Also called: Early infantile epileptic encephalopathy; Ohtahara syndrome; Early infantile epileptic encephalopathy with suppression bursts. Identifiers: Orphanet 1934, MedGen C0393706, MONDO:0800491.

Allele frequency attached by ClinVar (database versions not stated): gnomAD 0.00001; TOPMed 0.00001; gnomAD exomes 0.00002.
gnomAD v4.1: 25 of 1,613,416 alleles (0.0015%); highest among the groups gnomAD compares: East Asian, 0.0022%; no homozygotes.

Submissions (3):

Women's Health and Genetics/Laboratory Corporation of America, LabCorp
Classification: Likely benign. Last evaluated: 2026-05-19. Review status: criteria provided, single submitter. Criteria: LabCorp Variant Classification Summary - May 2015. Collection method: clinical testing. Allele origin: germline.

Labcorp Genetics (formerly Invitae), Labcorp
Classification: Likely benign for Early-infantile DEE. Last evaluated: 2019-05-04. Review status: criteria provided, single submitter. Criteria: Invitae Variant Classification Sherloc (09022015). Collection method: clinical testing. Allele origin: germline.

GeneDx
Classification: Likely benign. Last evaluated: 2016-07-19. Review status: criteria provided, single submitter. Criteria: GeneDx Variant Classification (06012015). Collection method: clinical testing. Allele origin: germline. Affected: yes.
Comment: This variant is considered likely benign or benign based on one or more of the following criteria: it is a conservative change, it occurs at a poorly conserved position in the protein, it is predicted to be benign by multiple in silico algorithms, and/or has population frequency not consistent with disease.

NM_172107.4(KCNQ2):c.321C>T (p.Leu107=)

Gene: KCNQ2 (potassium voltage-gated channel subfamily Q member 2; minus strand). Cytogenetic location: 20q13.33.
Variant type: single nucleotide variant.
Coding change: c.321C>T on transcript NM_172107.4 (MANE Select); coding-DNA position 321, C replaced by T.
Protein change: p.Leu107=; no amino-acid change (leucine 107 retained).
Molecular consequence: synonymous variant.
Genome position (GRCh38, 1-based): chr20:63,446,813, G>A on the plus strand (C>T on the coding strand, the complement: KCNQ2 is on the minus strand). VCF-style: chr20-63446813-G-A. GRCh37 (hg19) VCF-style: chr20-62078166-G-A.
Other names: c.321C>T, p.Leu107= (NM_004518.6, NM_172106.3, NM_172108.5 and 1 more transcripts).
Identifiers: ClinVar variation 387833 (VCV000387833.13), dbSNP rs757187562, ClinGen allele CA9958858.
Genomic context (GRCh38, chr20:63,446,813, plus strand): 5'-GTAGAGGGCCCCCTCCGAGCTCTTCTCATACTCCTTGATGGTGGAAAACACAGACAGCAC[G>A]AGGCAGGAGAAAACCAGGAGGAACCTGGGGGCAGGGAACGCGCGCTCTCAGACAGGCCGC-3'
Protein context (NP_742105.1, residues 97-117): AYVFLLVFSC[Leu107=]VLSVFSTIKE